The following is an entry in ClinVar:

NM_000093.5(COL5A1):c.4049C>T (p.Pro1350Leu)

Gene: COL5A1 (collagen type V alpha 1 chain; plus strand). Cytogenetic location: 9q34.3.
Variant type: single nucleotide variant.
Coding change: c.4049C>T on transcript NM_000093.5 (MANE Select); coding-DNA position 4049, C replaced by T.
Protein change: p.Pro1350Leu; replaces proline 1350 with leucine.
Molecular consequence: missense variant.
Genome position (GRCh38, 1-based): chr9:134,815,610, C>T. VCF-style: chr9-134815610-C-T. GRCh37 (hg19) VCF-style: chr9-137707456-C-T.
Other names: c.4049C>T, p.Pro1350Leu (NM_001278074.1); short protein forms P1350L.
Identifiers: ClinVar variation 1000536 (VCV001000536.10), dbSNP rs1255890421, ClinGen allele CA375456273.

ClinVar aggregate classification (germline): Uncertain significance (1 of 4 stars; one submission).

Conditions:
Ehlers-Danlos syndrome, classic type, 1 (EDSCL1). Also called: EHLERS-DANLOS SYNDROME, GRAVIS TYPE; EHLERS-DANLOS SYNDROME, SEVERE CLASSIC TYPE; EDS I; Ehlers-Danlos Syndrome, Classic Type, COL5A1-Related; Ehlers-Danlos syndrome, type 1. Identifiers: MedGen C0268335, MONDO:0019567, OMIM 130000.

gnomAD v4.1: 2 of 1,613,826 alleles (0.00012%); highest among the groups gnomAD compares: Non-Finnish European, 0.00017%; no homozygotes.

Submission:

Labcorp Genetics (formerly Invitae), Labcorp
Classification: Uncertain significance for Ehlers-Danlos syndrome, classic type, 1. Last evaluated: 2020-07-22. Review status: criteria provided, single submitter. Criteria: Invitae Variant Classification Sherloc (09022015). Collection method: clinical testing. Allele origin: germline.
Comment: In summary, the available evidence is currently insufficient to determine the role of this variant in disease. Therefore, it has been classified as a Variant of Uncertain Significance. Advanced modeling of protein sequence and biophysical properties (such as structural, functional, and spatial information, amino acid conservation, physicochemical variation, residue mobility, and thermodynamic stability) performed at Invitae indicates that this missense variant is not expected to disrupt COL5A1 protein function. This variant has not been reported in the literature in individuals with COL5A1-related conditions. This variant is not present in population databases (ExAC no frequency). This sequence change replaces proline with leucine at codon 1350 of the COL5A1 protein (p.Pro1350Leu). The proline residue is highly conserved and there is a moderate physicochemical difference between proline and leucine.